The following is an entry in ClinVar:

ClinVar aggregate classification (germline): Benign (1 of 4 stars; one submission).

Submission:

GeneDx
Classification: Benign. Last evaluated: 2018-06-16. Review status: criteria provided, single submitter. Criteria: GeneDx Variant Classification (06012015). Collection method: clinical testing. Allele origin: germline. Affected: yes.
Comment: This variant is considered likely benign or benign based on one or more of the following criteria: it is a conservative change, it occurs at a poorly conserved position in the protein, it is predicted to be benign by multiple in silico algorithms, and/or has population frequency not consistent with disease.

NM_001182.5(ALDH7A1):c.1490-243_1490-240del

Gene: ALDH7A1 (aldehyde dehydrogenase 7 family member A1; minus strand). Cytogenetic location: 5q23.2.
Variant type: Microsatellite.
Coding change: c.1490-243_1490-240del on transcript NM_001182.5 (MANE Select); 243 bases into the intron before coding-DNA position 1490 through 240 bases into the intron before coding-DNA position 1490, 4 bases deleted (TTCT; older notation c.1490-243_1490-240delTTCT).
Molecular consequence: intron variant.
Genome position (GRCh38, 1-based): chr5:126,546,639-126,546,642, AGAA deleted on the plus strand (TTCT on the coding strand, the reverse complement: ALDH7A1 is on the minus strand); deleting any 4 consecutive bases within chr5:126,546,639-126,546,647 gives the same sequence; the c. name uses the placement nearest the transcript's 3' end. VCF-style (leftmost placement, unchanged base first): chr5-126546638-CAGAA-C. GRCh37 (hg19) VCF-style: chr5-125882330-CAGAA-C.
Other names: c.1298-243_1298-240del (NM_001202404.2); c.1406-243_1406-240del (NM_001201377.2).
Identifiers: ClinVar variation 677636 (VCV000677636.1), dbSNP rs10539406, ClinGen allele CA126883257.
Genomic context (GRCh38, chr5:126,546,638, plus strand): 5'-AAACAGAAAAAAGGAATTAAGAGGGAAAATAAAATATAAGGAATTAAGAAGAAATGGAAA[CAGAA>C]AGAAACGGTAAAAAAAAAAAAAAATCCCATTAGCTGGGCGTGGTGGTGCATGCCTGTAAC-3'